The following is an entry in ClinVar:

ClinVar aggregate classification (germline): Pathogenic. Review status: criteria provided, multiple submitters, no conflicts (2 of 4 stars). 2 submissions from 2 submitters: Pathogenic (2). Last evaluated 2023-02-01.

Conditions:
Neurofibromatosis, type 2 (SWNV). Also called: BILATERAL ACOUSTIC NEUROFIBROMATOSIS; SCHWANNOMATOSIS, VESTIBULAR; NF2-Related Schwannomatosis. Identifiers: Orphanet 637, MedGen C0027832, MONDO:0007039, OMIM 101000. Disease mechanism: loss of function.

Submissions (2):

GeneDx
Classification: Pathogenic. Last evaluated: 2023-02-01. Review status: criteria provided, single submitter. Criteria: GeneDx Variant Classification Process June 2021. Collection method: clinical testing. Allele origin: germline. Affected: yes.
Comment: Frameshift variant predicted to result in protein truncation or nonsense mediated decay in a gene for which loss of function is a known mechanism of disease; Observed in individuals with a personal or family history consistent with pathogenic variants in this gene (Ruttledge et al., 1996); Not observed at significant frequency in large population cohorts (gnomAD); This variant is associated with the following publications: (PMID: 8755919, 31618753)

Labcorp Genetics (formerly Invitae), Labcorp
Classification: Pathogenic for Neurofibromatosis, type 2. Last evaluated: 2022-11-29. Review status: criteria provided, single submitter. Criteria: Invitae Variant Classification Sherloc (09022015). Collection method: clinical testing. Allele origin: germline.
Comment: This sequence change creates a premature translational stop signal (p.Glu445Glyfs*9) in the NF2 gene. It is expected to result in an absent or disrupted protein product. Loss-of-function variants in NF2 are known to be pathogenic (PMID: 9643284, 16983642). This variant is not present in population databases (gnomAD no frequency). This premature translational stop signal has been observed in individuals with neurofibromatosis type 2 (PMID: 8755919; Invitae). This variant is also known as AGAGAGGAG>AGGAG in codon 445-446. ClinVar contains an entry for this variant (Variation ID: 664255). For these reasons, this variant has been classified as Pathogenic.

Literature cited by the submitters: PubMed 9643284 (cited by Labcorp Genetics (formerly Invitae), Labcorp); PubMed 16983642 (cited by Labcorp Genetics (formerly Invitae), Labcorp); PubMed 8755919 (cited by Labcorp Genetics (formerly Invitae), Labcorp).

NM_000268.4(NF2):c.1334_1337del (p.Glu445fs)

Gene: NF2 (NF2, moesin-ezrin-radixin like (MERLIN) tumor suppressor; plus strand). Cytogenetic location: 22q12.2.
Variant type: Microsatellite.
Coding change: c.1334_1337del on transcript NM_000268.4 (MANE Select); coding-DNA positions 1334 to 1337, 4 bases deleted (AGAG; older notation c.1334_1337delAGAG).
Protein change: p.Glu445fs; shifts the reading frame from glutamic acid 445.
Molecular consequence: frameshift variant. On other transcripts: non-coding transcript variant (1), intron variant (1).
Genome position (GRCh38, 1-based): chr22:29,673,480-29,673,483, AGAG deleted; deleting any 4 consecutive bases within chr22:29,673,478-29,673,483 gives the same sequence; the c. name uses the placement nearest the transcript's 3' end. VCF-style (leftmost placement, unchanged base first): chr22-29673477-CAGAG-C. GRCh37 (hg19) VCF-style: chr22-30069466-CAGAG-C.
Other names: c.1334_1337delAGAG (NM_000268.3); c.1334_1337del (NM_000268.3); c.1334_1337del, p.Glu445fs (NM_016418.5, NM_181825.3, NM_181832.3); c.1208_1211del, p.Glu403fs (NM_181828.3); c.1211_1214del, p.Glu404fs (NM_181829.3); c.1085_1088del, p.Glu362fs (NM_181830.3, NM_181831.3); c.448-21272_448-21269del (NM_181833.3); short protein forms E404fs, E362fs, E403fs, E445fs.
Identifiers: ClinVar variation 664255 (VCV000664255.15), dbSNP rs1601649018, ClinGen allele CA645601152.